The following is an entry in ClinVar:

NM_005989.4(AKR1D1):c.580-13T>A

Gene: AKR1D1 (aldo-keto reductase family 1 member D1; plus strand). Cytogenetic location: 7q33.
Variant type: single nucleotide variant.
Coding change: c.580-13T>A on transcript NM_005989.4 (MANE Select); 13 bases into the intron before coding-DNA position 580, T replaced by A.
Molecular consequence: intron variant.
Genome position (GRCh38, 1-based): chr7:138,106,595, T>A. VCF-style: chr7-138106595-T-A. GRCh37 (hg19) VCF-style: chr7-137791341-T-A.
Other names: c.580-13T>A (NM_001190907.2); c.457-13T>A (NM_001190906.2).
Identifiers: ClinVar variation 4525818 (VCV004525818.2).
Genomic context (GRCh38, chr7:138,106,595, plus strand): 5'-TTTTTTAACAGTACAATTGCATTCAACAACGTGGCCTTGATTTTGTGCTCTGCTCTCCAA[T>A]GCAACCACATAGGTTGAGTGCCATCCGTATTTCACCCAGCCAAAACTCTTGAAATTTTGC-3'

ClinVar aggregate classification (germline): Pathogenic (1 of 4 stars; one submission).

Conditions:
Congenital bile acid synthesis defect 2 (CBAS2). Also called: CHOLESTASIS WITH DELTA(4)-3-OXOSTEROID 5-BETA-REDUCTASE DEFICIENCY. Identifiers: Orphanet 79303, MedGen C1856127, MONDO:0009339, OMIM 235555.

gnomAD v4.1: 7 of 1,608,484 alleles (0.00044%); highest among the groups gnomAD compares: East Asian, 0.016%; no homozygotes.

Submission:

Women's Health and Genetics/Laboratory Corporation of America, LabCorp
Classification: Pathogenic for Congenital bile acid synthesis defect 2. Last evaluated: 2025-07-17. Review status: criteria provided, single submitter. Criteria: LabCorp Variant Classification Summary - May 2015. Collection method: clinical testing. Allele origin: germline.
Comment: Variant summary: AKR1D1 c.580-13T>A alters a non-conserved nucleotide located at a position not widely known to affect splicing. Several computational tools predict a significant impact on normal splicing: Three predict the variant creates a 3' acceptor site. One predicts the variant abolishes a 3' acceptor site. At least one publication reports experimental evidence that this variant affects mRNA splicing both in an in vitro minigene assay demonstrating inclusion of intronic nucleotides expected to result in a frameshift and in patient mRNA showing loss of the allele carrying c.580-13T>A (Zhao_2023). The variant allele was found at a frequency of 2e-05 in 251430 control chromosomes. c.580-13T>A has been observed in multiple individuals affected with Congenital bile acid synthesis defect 2 (Chen_2019, Zhao_2023). These data indicate that the variant is very likely to be associated with disease. The following publications have been ascertained in the context of this evaluation (PMID: 31337596, 36739965). No submitters have cited clinical-significance assessments for this variant to ClinVar. Based on the evidence outlined above, the variant was classified as pathogenic.

Literature cited by the submitters: PubMed 31337596; PubMed 36739965.